The following is an entry in ClinVar:

ClinVar aggregate classification (germline): Likely benign (0 of 4 stars; one submission).

Conditions:
ABCG1-related disorder. Also called: ABCG1-related condition.

Allele frequency attached by ClinVar (database versions not stated): gnomAD exomes 0.00013; ExAC 0.00029; ESP Exome Variant Server 0.00077; gnomAD 0.00107; 1000 Genomes Project 0.00120; TOPMed 0.00121; 1000 Genomes Project 30x 0.00125.
gnomAD v4.1: 371 of 1,614,118 alleles (0.023%); highest among the groups gnomAD compares: African/African-American, 0.41%; 1 homozygote.

Submission:

PreventionGenetics, part of Exact Sciences
Classification: Likely benign for ABCG1-related condition. Last evaluated: 2019-05-27. Review status: no assertion criteria provided. Collection method: clinical testing. Allele origin: germline.
Comment: This variant is classified as likely benign based on ACMG/AMP sequence variant interpretation guidelines (Richards et al. 2015 PMID: 25741868, with internal and published modifications).

NM_016818.3(ABCG1):c.1842C>T (p.Asp614=)

Gene: ABCG1 (ATP binding cassette subfamily G member 1; plus strand). Cytogenetic location: 21q22.3.
Variant type: single nucleotide variant.
Coding change: c.1842C>T on transcript NM_016818.3 (MANE Select); coding-DNA position 1842, C replaced by T.
Protein change: p.Asp614=; no amino-acid change (aspartic acid 614 retained).
Molecular consequence: synonymous variant.
Genome position (GRCh38, 1-based): chr21:42,296,233, C>T. VCF-style: chr21-42296233-C-T. GRCh37 (hg19) VCF-style: chr21-43716343-C-T.
Other names: c.1878C>T, p.Asp626= (NM_004915.4); c.1875C>T, p.Asp625= (NM_207174.1); c.1848C>T, p.Asp616= (NM_207627.2); c.1776C>T, p.Asp592= (NM_207628.1); c.1833C>T, p.Asp611= (NM_207629.2).
Identifiers: ClinVar variation 3039239 (VCV003039239.2), dbSNP rs73364654, ClinGen allele CA10041590.